The following is an entry in ClinVar:

NM_001080413.3(NOBOX):c.42T>C (p.Gly14=)

Gene: NOBOX (NOBOX oogenesis homeobox; minus strand). Cytogenetic location: 7q35.
Variant type: single nucleotide variant.
Coding change: c.42T>C on transcript NM_001080413.3; coding-DNA position 42, T replaced by C.
Protein change: p.Gly14=; no amino-acid change (glycine 14 retained).
Genome position (GRCh38, 1-based): chr7:144,410,186, A>G on the plus strand (T>C on the coding strand, the complement: NOBOX is on the minus strand). VCF-style: chr7-144410186-A-G. GRCh37 (hg19) VCF-style: chr7-144107279-A-G.
Other names: p.G14G:GGT>GGC; NM_001080413.3:c.42T>C.
Identifiers: ClinVar variation 138536 (VCV000138536.8), dbSNP rs1208179, ClinGen allele CA292578.
Genomic context (GRCh38, chr7:144,410,186, plus strand): 5'-CCAGGACATGAGCTCACCCTCCTGGGCTTTGAAGCCATCCTTGTCTCTGGTGTCCCAGGT[A>G]CCCTCCAGGTCTGGTGATGTTAGTGTCAAAAGGAGAGCCATGTCATGGCCAGCAGGTTCC-3'

ClinVar aggregate classification (germline): Benign. Review status: criteria provided, multiple submitters, no conflicts (2 of 4 stars). 4 submissions from 4 submitters: Benign (4). Last evaluated 2021-09-05.

Conditions:
Premature ovarian failure 5 (POF5). Identifiers: MedGen C1969060, MONDO:0012689, OMIM 611548.

Allele frequency attached by ClinVar (database versions not stated): ESP Exome Variant Server 0.12688; gnomAD 0.12847 and 0.12679; ExAC 0.22857; TOPMed 0.11771; gnomAD exomes 0.16247 and 0.14676; 1000 Genomes Project 0.10503; 1000 Genomes Project 30x 0.10306.
gnomAD v4.1: 249,131 of 1,569,332 alleles (16%); highest among the groups gnomAD compares: South Asian, 22%; 21,381 homozygotes.

Submissions (4):

Genome-Nilou Lab
Classification: Benign for Premature ovarian failure 5. Last evaluated: 2021-09-05. Review status: criteria provided, single submitter. Criteria: ACMG Guidelines, 2015. Collection method: clinical testing. Allele origin: germline. Affected: no.

Illumina Laboratory Services, Illumina
Classification: Benign for Premature ovarian failure 5. Last evaluated: 2018-01-12. Review status: criteria provided, single submitter. Criteria: ICSL Variant Classification Criteria 13 December 2019. Collection method: clinical testing. Allele origin: germline.
Comment: This variant was observed in the ICSL laboratory as part of a predisposition screen in an ostensibly healthy population. It had not been previously curated by ICSL or reported in the Human Gene Mutation Database (HGMD: prior to June 1st, 2018), and was therefore a candidate for classification through an automated scoring system. Utilizing variant allele frequency, disease prevalence and penetrance estimates, and inheritance mode, an automated score was calculated to assess if this variant is too frequent to cause the disease. Based on the score and internal cut-off values, a variant classified as benign is not then subjected to further curation. The score for this variant resulted in a classification of benign for this disease.

GeneDx
Classification: Benign. Last evaluated: 2014-05-19. Review status: criteria provided, single submitter. Criteria: GeneDx Variant Classification (06012015). Collection method: clinical testing. Allele origin: germline. Affected: yes.
Comment: This variant is considered likely benign or benign based on one or more of the following criteria: it is a conservative change, it occurs at a poorly conserved position in the protein, it is predicted to be benign by multiple in silico algorithms, and/or has population frequency not consistent with disease.

Breakthrough Genomics
Classification: Benign. Review status: criteria provided, single submitter. Criteria: ACMG Guidelines, 2015. Collection method: not provided. Allele origin: germline. Inheritance: Autosomal dominant inheritance. Affected: yes.